The following is an entry in ClinVar:

ClinVar aggregate classification (germline): Uncertain significance (1 of 4 stars; one submission).

Conditions:
Ethylmalonic encephalopathy (EE). Also called: Syndrome of encephalopathy, petechiae, and ethylmalonic aciduria; EPEMA syndrome; Encephalopathy, petechiae, and ethylmalonic aciduria. Identifiers: Orphanet 51188, MedGen C1865349, MONDO:0011229, OMIM 602473. Disease mechanism: loss of function.

Allele frequency attached by ClinVar (database versions not stated): gnomAD exomes below 0.00001.
gnomAD v4.1: 3 of 1,613,276 alleles (0.00019%); highest among the groups gnomAD compares: South Asian, 0.0022%; no homozygotes.

Submission:

Labcorp Genetics (formerly Invitae), Labcorp
Classification: Uncertain significance for Ethylmalonic encephalopathy. Last evaluated: 2020-09-15. Review status: criteria provided, single submitter. Criteria: Invitae Variant Classification Sherloc (09022015). Collection method: clinical testing. Allele origin: germline.
Comment: This sequence change replaces phenylalanine with leucine at codon 29 of the ETHE1 protein (p.Phe29Leu). The phenylalanine residue is moderately conserved and there is a small physicochemical difference between phenylalanine and leucine. This variant is not present in population databases (ExAC no frequency). In summary, the available evidence is currently insufficient to determine the role of this variant in disease. Therefore, it has been classified as a Variant of Uncertain Significance. Algorithms developed to predict the effect of missense changes on protein structure and function (SIFT, PolyPhen-2, Align-GVGD) all suggest that this variant is likely to be tolerated, but these predictions have not been confirmed by published functional studies and their clinical significance is uncertain. This variant has not been reported in the literature in individuals with ETHE1-related conditions.

NM_014297.5(ETHE1):c.87C>G (p.Phe29Leu)

Gene: ETHE1 (ETHE1 persulfide dioxygenase; minus strand). Cytogenetic location: 19q13.31.
Variant type: single nucleotide variant.
Coding change: c.87C>G on transcript NM_014297.5 (MANE Select); coding-DNA position 87, C replaced by G.
Protein change: p.Phe29Leu; replaces phenylalanine 29 with leucine.
Molecular consequence: missense variant. On other transcripts: 5 prime UTR variant (1), intron variant (1).
Genome position (GRCh38, 1-based): chr19:43,526,654, G>C on the plus strand (C>G on the coding strand, the complement: ETHE1 is on the minus strand). VCF-style: chr19-43526654-G-C. GRCh37 (hg19) VCF-style: chr19-44030806-G-C.
Other names: c.87C>G, p.Phe29Leu (NM_001320867.2); c.-134C>G (NM_001320868.2); c.81+443C>G (NM_001320869.2); short protein forms F29L.
Identifiers: ClinVar variation 1016970 (VCV001016970.8), dbSNP rs1480478625, ClinGen allele CA406181737.